The following is an entry in ClinVar:

NM_001354768.3(NRL):c.350G>T (p.Ser117Ile)

Gene: NRL (neural retina leucine zipper; minus strand). Cytogenetic location: 14q11.2.
Variant type: single nucleotide variant.
Coding change: c.350G>T on transcript NM_001354768.3 (MANE Select); coding-DNA position 350, G replaced by T.
Protein change: p.Ser117Ile; replaces serine 117 with isoleucine.
Molecular consequence: missense variant. On other transcripts: intron variant (1).
Genome position (GRCh38, 1-based): chr14:24,082,499, C>A on the plus strand (G>T on the coding strand, the complement: NRL is on the minus strand). VCF-style: chr14-24082499-C-A. GRCh37 (hg19) VCF-style: chr14-24551708-C-A.
Other names: c.350G>T, p.Ser117Ile (NM_001354769.1, NM_006177.5); c.66+284G>T (NM_001354770.2); short protein forms S117I.
Identifiers: ClinVar variation 1393131 (VCV001393131.8), dbSNP rs755516047, ClinGen allele CA7122881.

ClinVar aggregate classification (germline): Uncertain significance. Review status: criteria provided, multiple submitters, no conflicts (2 of 4 stars). 2 submissions from 2 submitters: Uncertain significance (2). Last evaluated 2020-11-25.

Submissions (2):

Labcorp Genetics (formerly Invitae), Labcorp
Classification: Uncertain significance. Last evaluated: 2020-11-25. Review status: criteria provided, single submitter. Criteria: Invitae Variant Classification Sherloc (09022015). Collection method: clinical testing. Allele origin: germline.
Comment: This sequence change replaces serine with isoleucine at codon 117 of the NRL protein (p.Ser117Ile). The serine residue is highly conserved and there is a large physicochemical difference between serine and isoleucine. This variant is present in population databases (rs755516047, ExAC 0.002%). This variant has not been reported in the literature in individuals with NRL-related conditions. Algorithms developed to predict the effect of missense changes on protein structure and function are either unavailable or do not agree on the potential impact of this missense change (SIFT: "Deleterious"; PolyPhen-2: "Benign"; Align-GVGD: "Class C0"). In summary, the available evidence is currently insufficient to determine the role of this variant in disease. Therefore, it has been classified as a Variant of Uncertain Significance.

Blueprint Genetics
Classification: Uncertain significance. Last evaluated: 2019-09-26. Review status: criteria provided, single submitter. Criteria: ACMG Guidelines, 2015. Collection method: clinical testing. Allele origin: germline.